The following is an entry in ClinVar:

ClinVar aggregate classification (germline): Uncertain significance (1 of 4 stars; one submission).

Conditions:
Idiopathic Pulmonary Fibrosis. Also called: Idiopathic fibrosing alveolitis, chronic form; idiopathic fibrosing alveolitis. Identifiers: Orphanet 2032, MedGen C1800706, MeSH D054990, MONDO:0800504.
Dyskeratosis congenita, autosomal dominant 2. Identifiers: MedGen C3151443, MONDO:0013521, OMIM 613989.

Submission:

Labcorp Genetics (formerly Invitae), Labcorp
Classification: Uncertain significance for Dyskeratosis congenita, autosomal dominant 2; Idiopathic Pulmonary Fibrosis. Last evaluated: 2025-04-20. Review status: criteria provided, single submitter. Criteria: Invitae Variant Classification Sherloc (09022015). Collection method: clinical testing. Allele origin: germline.
Comment: This sequence change replaces phenylalanine, which is neutral and non-polar, with valine, which is neutral and non-polar, at codon 975 of the TERT protein (p.Phe975Val). This variant is not present in population databases (gnomAD no frequency). This variant has not been reported in the literature in individuals affected with TERT-related conditions. Invitae Evidence Modeling of protein sequence and biophysical properties (such as structural, functional, and spatial information, amino acid conservation, physicochemical variation, residue mobility, and thermodynamic stability) has been performed for this missense variant. However, the output from this modeling did not meet the statistical confidence thresholds required to predict the impact of this variant on TERT protein function. In summary, the available evidence is currently insufficient to determine the role of this variant in disease. Therefore, it has been classified as a Variant of Uncertain Significance.

NM_198253.3(TERT):c.2923T>G (p.Phe975Val)

Gene: TERT (telomerase reverse transcriptase; minus strand). Cytogenetic location: 5p15.33.
Variant type: single nucleotide variant.
Coding change: c.2923T>G on transcript NM_198253.3 (MANE Select); coding-DNA position 2923, T replaced by G.
Protein change: p.Phe975Val; replaces phenylalanine 975 with valine.
Molecular consequence: missense variant. On other transcripts: non-coding transcript variant (2).
Genome position (GRCh38, 1-based): chr5:1,260,521, A>C on the plus strand (T>G on the coding strand, the complement: TERT is on the minus strand). VCF-style: chr5-1260521-A-C. GRCh37 (hg19) VCF-style: chr5-1260636-A-C.
Other names: c.2734T>G, p.Phe912Val (NM_001193376.3); short protein forms F912V, F975V.
Identifiers: ClinVar variation 4788601 (VCV004788601.1).